The following is an entry in ClinVar:

NM_032808.7(LINGO1):c.639C>T (p.His213=)

Gene: LINGO1 (leucine rich repeat and Ig domain containing 1; minus strand). Cytogenetic location: 15q24.3.
Variant type: single nucleotide variant.
Coding change: c.639C>T on transcript NM_032808.7 (MANE Select); coding-DNA position 639, C replaced by T.
Protein change: p.His213=; no amino-acid change (histidine 213 retained).
Molecular consequence: synonymous variant.
Genome position (GRCh38, 1-based): chr15:77,615,268, G>A on the plus strand (C>T on the coding strand, the complement: LINGO1 is on the minus strand). VCF-style: chr15-77615268-G-A. GRCh37 (hg19) VCF-style: chr15-77907610-G-A.
Other names: c.621C>T, p.His207= (NM_001301186.2, NM_001301187.2, NM_001301189.2 and 8 more transcripts).
Identifiers: ClinVar variation 4534118 (VCV004534118.6).
Genomic context (GRCh38, chr15:77,615,268, plus strand): 5'-GTAGTCCCGGATGGCATTGATGTTGAGGTGCCGGAGCCTCAGGACGATGAGGCCGTGCAG[G>A]TGGGACAGCGCCTCGGTGGGGATGGAGGTCAGGTTGCATTTCTCCAGCGTCAGCTGCTCC-3'
Protein context (NP_116197.4, residues 203-223): LTSIPTEALS[His213=]LHGLIVLRLR

ClinVar aggregate classification (germline): Likely benign (1 of 4 stars; one submission).

gnomAD v4.1: 59 of 1,613,874 alleles (0.0037%); highest among the groups gnomAD compares: Middle Eastern, 0.082%; no homozygotes.

Submission:

CeGaT Center for Human Genetics Tuebingen
Classification: Likely benign. Last evaluated: 2025-10-01. Review status: criteria provided, single submitter. Criteria: CeGaT Center For Human Genetics Tuebingen Variant Classification Criteria Version 2. Collection method: clinical testing. Allele origin: germline. Affected: yes. Observed: 1 variant allele.
Comment: LINGO1: BP4, BP7